The following is an entry in ClinVar:

ClinVar aggregate classification (germline): Conflicting classifications of pathogenicity. Review status: criteria provided, conflicting classifications (1 of 4 stars). 3 submissions from 3 submitters: Likely pathogenic (2); Uncertain significance (1). Last evaluated 2025-07-31.

Conditions:
Tyrosinemia type I (TYRSN1). Also called: FAH DEFICIENCY; Tyrosinemia type 1; Fumarylacetoacetase deficiency; Deficiency of fumarylacetoacetase; HEPATORENAL TYROSINEMIA. Identifiers: Orphanet 882, MedGen C0268490, MONDO:0010161, OMIM 276700. Disease mechanism: loss of function.

Allele frequency attached by ClinVar (database versions not stated): gnomAD exomes below 0.00001 and 0.00001; ExAC 0.00001; TOPMed 0.00001; gnomAD 0.00002.
gnomAD v4.1: 9 of 1,613,778 alleles (0.00056%); highest among the groups gnomAD compares: Admixed American, 0.0017%; no homozygotes.

Submissions (3):

Natera, Inc.
Classification: Likely pathogenic for Tyrosinemia type I. Last evaluated: 2025-07-31. Review status: criteria provided, single submitter. Criteria: Natera Variant Classification Schema (03/2026). Collection method: clinical testing. Allele origin: germline.
Comment: The c.620G>A variant in FAH is a missense variant predicted to cause substitution of glycine to aspartic acid at amino acid 207. This variant is rare in the general population with a frequency below the threshold expected for the associated phenotype(s). This variant has been observed in one or more individuals affected with the associated recessive disease, as either homozygous or compound heterozygous with a second variant (PMID: 8723690, 37688338). Functional studies show that this variant may disrupt protein function (PMID: 31300554). Computational prediction algorithms indicate this variant is likely to affect gene or protein function. Given the available evidence, this variant is classified as Likely Pathogenic.

Fulgent Genetics
Classification: Likely pathogenic for Tyrosinemia type I. Last evaluated: 2024-01-03. Review status: criteria provided, single submitter. Criteria: ACMG Guidelines, 2015. Collection method: clinical testing. Allele origin: germline.

Eurofins Ntd Llc (ga)
Classification: Uncertain significance. Last evaluated: 2017-11-03. Review status: criteria provided, single submitter. Criteria: EGL Classification Definitions 2015. Collection method: clinical testing. Allele origin: germline. Observed: 1 variant allele, 1 heterozygote.

Literature cited by the submitters: PubMed 8723690 (cited by Natera, Inc. and Eurofins Ntd Llc (ga)); PubMed 37688338 (cited by Natera, Inc.); PubMed 31300554 (cited by Natera, Inc.).

NM_000137.4(FAH):c.620G>A (p.Gly207Asp)

Gene: FAH (fumarylacetoacetate hydrolase; plus strand). Cytogenetic location: 15q25.1.
Variant type: single nucleotide variant.
Coding change: c.620G>A on transcript NM_000137.4 (MANE Select); coding-DNA position 620, G replaced by A.
Protein change: p.Gly207Asp; replaces glycine 207 with aspartic acid.
Molecular consequence: missense variant.
Genome position (GRCh38, 1-based): chr15:80,172,162, G>A. VCF-style: chr15-80172162-G-A. GRCh37 (hg19) VCF-style: chr15-80464504-G-A.
Other names: c.620G>A, p.Gly207Asp (NM_001374377.1, NM_001374380.1); c.620G>A (NM_000137.2); short protein forms G207D.
Identifiers: ClinVar variation 594840 (VCV000594840.10), dbSNP rs754196530, ClinGen allele CA7691287.